The following is an entry in ClinVar:

ClinVar aggregate classification (germline): Uncertain significance (1 of 4 stars; one submission).

Submission:

GeneDx
Classification: Uncertain significance. Last evaluated: 2026-01-29. Review status: criteria provided, single submitter. Criteria: GeneDx Variant Classification Process June 2021. Collection method: clinical testing. Allele origin: germline.
Comment: Not observed at significant frequency in large population cohorts (gnomAD); In silico analysis supports that this missense variant has a deleterious effect on protein structure/function; Has not been previously published as pathogenic or benign to our knowledge

NM_002911.4(UPF1):c.2146T>C (p.Phe716Leu)

Gene: UPF1 (UPF1 RNA helicase and ATPase; plus strand). Cytogenetic location: 19p13.11.
Variant type: single nucleotide variant.
Coding change: c.2146T>C on transcript NM_002911.4 (MANE Select); coding-DNA position 2146, T replaced by C.
Protein change: p.Phe716Leu; replaces phenylalanine 716 with leucine.
Molecular consequence: missense variant.
Genome position (GRCh38, 1-based): chr19:18,857,497, T>C. VCF-style: chr19-18857497-T-C. GRCh37 (hg19) VCF-style: chr19-18968306-T-C.
Other names: c.2179T>C, p.Phe727Leu (NM_001297549.2); short protein forms F716L, F727L.
Identifiers: ClinVar variation 4975878 (VCV004975878.1).